The following is an entry in ClinVar:

NM_014915.3(ANKRD26):c.1508A>G (p.Lys503Arg)

Gene: ANKRD26 (ankyrin repeat domain containing 26; minus strand). Cytogenetic location: 10p12.1.
Variant type: single nucleotide variant.
Coding change: c.1508A>G on transcript NM_014915.3 (MANE Select); coding-DNA position 1508, A replaced by G.
Protein change: p.Lys503Arg; replaces lysine 503 with arginine.
Molecular consequence: missense variant.
Genome position (GRCh38, 1-based): chr10:27,060,401, T>C on the plus strand (A>G on the coding strand, the complement: ANKRD26 is on the minus strand). VCF-style: chr10-27060401-T-C. GRCh37 (hg19) VCF-style: chr10-27349330-T-C.
Other names: c.1508A>G, p.Lys503Arg (NM_001256053.2); short protein forms K503R.
Identifiers: ClinVar variation 3396844 (VCV003396844.1).

ClinVar aggregate classification (germline): Uncertain significance (1 of 4 stars; one submission).

Conditions:
Inborn genetic diseases. Identifiers: MedGen C0950123, MeSH D030342.

Submission:

Ambry Genetics
Classification: Uncertain significance for Inborn genetic diseases. Last evaluated: 2024-11-27. Review status: criteria provided, single submitter. Criteria: Ambry Variant Classification Scheme 2023. Collection method: clinical testing. Allele origin: germline.
Comment: The p.K503R variant (also known as c.1508A>G), located in coding exon 15 of the ANKRD26 gene, results from an A to G substitution at nucleotide position 1508. The lysine at codon 503 is replaced by arginine, an amino acid with highly similar properties. This amino acid position is conserved. In addition, this alteration is predicted to be tolerated by in silico analysis. Based on the available evidence, the clinical significance of this variant remains unclear.